The following is an entry in ClinVar:

ClinVar aggregate classification (germline): Likely benign (0 of 4 stars; one submission).

Conditions:
UCP3-related disorder. Also called: UCP3-related condition.

gnomAD v4.1: 2 of 1,614,176 alleles (0.00012%); highest among the groups gnomAD compares: African/African-American, 0.0013%; no homozygotes.

Submission:

PreventionGenetics, part of Exact Sciences
Classification: Likely benign for UCP3-related condition. Last evaluated: 2022-08-02. Review status: no assertion criteria provided. Collection method: clinical testing. Allele origin: germline.
Comment: This variant is classified as likely benign based on ACMG/AMP sequence variant interpretation guidelines (Richards et al. 2015 PMID: 25741868, with internal and published modifications).

NM_003356.4(UCP3):c.459C>T (p.Ser153=)

Gene: UCP3 (uncoupling protein 3; minus strand). Cytogenetic location: 11q13.4.
Variant type: single nucleotide variant.
Coding change: c.459C>T on transcript NM_003356.4 (MANE Select); coding-DNA position 459, C replaced by T.
Protein change: p.Ser153=; no amino-acid change (serine 153 retained).
Molecular consequence: synonymous variant.
Genome position (GRCh38, 1-based): chr11:74,005,812, G>A on the plus strand (C>T on the coding strand, the complement: UCP3 is on the minus strand). VCF-style: chr11-74005812-G-A. GRCh37 (hg19) VCF-style: chr11-73716857-G-A.
Other names: c.459C>T, p.Ser153= (NM_022803.3).
Identifiers: ClinVar variation 3353664 (VCV003353664.1).